The following is an entry in ClinVar:

ClinVar aggregate classification (germline): Pathogenic (1 of 4 stars; one submission).

Conditions:
Autosomal recessive limb-girdle muscular dystrophy type 2A (LGMDR1). Also called: Calpainopathy; LEYDEN-MOEBIUS MUSCULAR DYSTROPHY; MUSCULAR DYSTROPHY, PELVOFEMORAL; Limb-girdle muscular dystrophy, type 2A; Muscular dystrophy, limb-girdle, type 2A, Amish. Identifiers: Orphanet 267, MedGen C1869123, MONDO:0009675, OMIM 253600. Disease mechanism: loss of function.

Submission:

Labcorp Genetics (formerly Invitae), Labcorp
Classification: Pathogenic for Autosomal recessive limb-girdle muscular dystrophy type 2A. Last evaluated: 2024-08-05. Review status: criteria provided, single submitter. Criteria: Invitae Variant Classification Sherloc (09022015). Collection method: clinical testing. Allele origin: germline.
Comment: This sequence change creates a premature translational stop signal (p.Val291*) in the CAPN3 gene. It is expected to result in an absent or disrupted protein product. Loss-of-function variants in CAPN3 are known to be pathogenic (PMID: 10330340, 15689361). This variant is not present in population databases (gnomAD no frequency). This variant has not been reported in the literature in individuals affected with CAPN3-related conditions. For these reasons, this variant has been classified as Pathogenic.

Literature cited by the submitters: PubMed 10330340; PubMed 15689361.

NM_000070.3(CAPN3):c.871del (p.Met290_Val291insTer)

Gene: CAPN3 (calpain 3; plus strand). Cytogenetic location: 15q15.1.
Variant type: Deletion.
Coding change: c.871del on transcript NM_000070.3 (MANE Select); coding-DNA position 871, one base deleted (G; older notation c.871delG).
Protein change: p.Met290_Val291insTer.
Molecular consequence: nonsense. On other transcripts: frameshift variant (1), intron variant (1).
Genome position (GRCh38, 1-based): chr15:42,390,022, G deleted; the last of 2 consecutive G bases (chr15:42,390,021-42,390,022); deleting either gives the same sequence. VCF-style (leftmost placement, unchanged base first): chr15-42390020-TG-T. GRCh37 (hg19) VCF-style: chr15-42682218-TG-T.
Other names: c.871del, p.Met290_Val291insTer (NM_024344.2); c.610delG, p.Val204Terfs (NM_212464.2); c.*564delG (NM_212467.2); c.801+926del (NM_173087.2).
Identifiers: ClinVar variation 2847151 (VCV002847151.3), dbSNP rs2548262198, ClinGen allele CA2739278143.